The following is an entry in ClinVar:

ClinVar aggregate classification (germline): Uncertain significance. Review status: criteria provided, multiple submitters, no conflicts (2 of 4 stars). 2 submissions from 2 submitters: Uncertain significance (2). Last evaluated 2021-09-06.

Conditions:
Ataxia-telangiectasia syndrome (AT). Also called: Ataxia telangiectasia (A-T); LOUIS-BAR SYNDROME; AT, COMPLEMENTATION GROUP C; ATAXIA-TELANGIECTASIA, COMPLEMENTATION GROUP A; ATAXIA-TELANGIECTASIA, FRESNO VARIANT; Ataxia-telangiectasia. Identifiers: Orphanet 100, MedGen C0004135, MONDO:0008840, OMIM 208900.

Submissions (2):

Labcorp Genetics (formerly Invitae), Labcorp
Classification: Uncertain significance for Ataxia-telangiectasia syndrome. Last evaluated: 2021-09-06. Review status: criteria provided, single submitter. Criteria: Invitae Variant Classification Sherloc (09022015). Collection method: clinical testing. Allele origin: germline.
Comment: This variant has not been reported in the literature in individuals affected with ATM-related conditions. In summary, the available evidence is currently insufficient to determine the role of this variant in disease. Therefore, it has been classified as a Variant of Uncertain Significance. Advanced modeling of protein sequence and biophysical properties (such as structural, functional, and spatial information, amino acid conservation, physicochemical variation, residue mobility, and thermodynamic stability) performed at Invitae indicates that this missense variant is not expected to disrupt ATM protein function. This variant is not present in population databases (ExAC no frequency). This sequence change replaces serine with phenylalanine at codon 1198 of the ATM protein (p.Ser1198Phe). The serine residue is moderately conserved and there is a large physicochemical difference between serine and phenylalanine.

GeneDx
Classification: Uncertain significance. Last evaluated: 2019-09-16. Review status: criteria provided, single submitter. Criteria: GeneDx Variant Classification Process June 2021. Collection method: clinical testing. Allele origin: germline. Affected: yes.
Comment: Not observed in large population cohorts (Lek 2016); In silico analysis, which includes protein predictors and evolutionary conservation, supports a deleterious effect; Has not been previously published as pathogenic or benign to our knowledge

NM_000051.4(ATM):c.3593C>T (p.Ser1198Phe)

Gene: ATM (ATM serine/threonine kinase; plus strand). Cytogenetic location: 11q22.3.
Variant type: single nucleotide variant.
Coding change: c.3593C>T on transcript NM_000051.4 (MANE Select); coding-DNA position 3593, C replaced by T.
Protein change: p.Ser1198Phe; replaces serine 1198 with phenylalanine.
Molecular consequence: missense variant.
Genome position (GRCh38, 1-based): chr11:108,282,726, C>T. VCF-style: chr11-108282726-C-T. GRCh37 (hg19) VCF-style: chr11-108153453-C-T.
Other names: c.3593C>T, p.Ser1198Phe (NM_001351834.2); short protein forms S1198F.
Identifiers: ClinVar variation 1312333 (VCV001312333.7), dbSNP rs2135686922, ClinGen allele CA382522570.